The following is an entry in ClinVar:

ClinVar aggregate classification (germline): Pathogenic (1 of 4 stars; one submission).

Conditions:
Capillary malformation-arteriovenous malformation syndrome. Also called: Capillary malformation-arteriovenous malformation. Identifiers: Orphanet 137667, MedGen C1842180, MONDO:0012016.

Submission:

Labcorp Genetics (formerly Invitae), Labcorp
Classification: Pathogenic for Capillary malformation-arteriovenous malformation syndrome. Last evaluated: 2023-07-18. Review status: criteria provided, single submitter. Criteria: Invitae Variant Classification Sherloc (09022015). Collection method: clinical testing. Allele origin: germline.
Comment: This sequence change creates a premature translational stop signal (p.Asp521Glufs*24) in the RASA1 gene. It is expected to result in an absent or disrupted protein product. Loss-of-function variants in RASA1 are known to be pathogenic (PMID: 24038909). This variant is not present in population databases (gnomAD no frequency). This variant has not been reported in the literature in individuals affected with RASA1-related conditions. For these reasons, this variant has been classified as Pathogenic.

Literature cited by the submitters: PubMed 24038909.

NM_002890.3(RASA1):c.1561_1562dup (p.Asp521fs)

Genes: CCNH (cyclin H; minus strand), RASA1 (RAS p21 protein activator 1; plus strand). Cytogenetic location: 5q14.3.
Variant type: Duplication.
Coding change: c.1561_1562dup on transcript NM_002890.3 (MANE Select); coding-DNA positions 1561 to 1562, 2 bases duplicated (GA; older notation c.1561_1562dupGA).
Protein change: p.Asp521fs; shifts the reading frame from aspartic acid 521.
Molecular consequence: frameshift variant. On other transcripts: intron variant (1).
Genome position (GRCh38, 1-based): chr5:87,363,455-87,363,456, GA duplicated; duplicating any 2 consecutive bases within chr5:87,363,454-87,363,456 gives the same sequence; the c. name uses the placement nearest the transcript's 3' end. VCF-style (leftmost placement, unchanged base first): chr5-87363453-T-TAG. GRCh37 (hg19) VCF-style: chr5-86659270-T-TAG.
Other names: c.1030_1031dup, p.Asp344fs (NM_022650.3); c.933+31589_933+31590dup (NM_001364075.2); short protein forms D521fs, D344fs.
Identifiers: ClinVar variation 2744649 (VCV002744649.3), dbSNP rs2531304828, ClinGen allele CA2697546314.